The following is an entry in ClinVar:

NM_001330078.2(NRXN1):c.2497+3A>G

Gene: NRXN1 (neurexin 1; minus strand). Cytogenetic location: 2p16.3.
Variant type: single nucleotide variant.
Coding change: c.2497+3A>G on transcript NM_001330078.2 (MANE Select); 3 bases into the intron after coding-DNA position 2497, A replaced by G.
Molecular consequence: intron variant.
Genome position (GRCh38, 1-based): chr2:50,506,492, T>C on the plus strand (A>G on the coding strand, the complement: NRXN1 is on the minus strand). VCF-style: chr2-50506492-T-C. GRCh37 (hg19) VCF-style: chr2-50733630-T-C.
Other names: c.2617+3A>G (NM_001135659.2, NM_001135659.3); c.2386+3A>G (NM_001330096.2, NM_001330087.2); c.2431+3A>G (NM_001330083.2, NM_001330084.2); c.2416+3A>G (NM_001330088.2); c.2494+3A>G (NM_001330093.2); c.2485+3A>G (NM_001330094.2); c.2446+3A>G (NM_001330095.2); c.2473+3A>G (NM_001330082.2, NM_001330077.2); and 2 more.
Identifiers: ClinVar variation 206243 (VCV000206243.37), dbSNP rs202074070, ClinGen allele CA316134.

ClinVar aggregate classification (germline): Uncertain significance. Review status: criteria provided, multiple submitters, no conflicts (2 of 4 stars). 6 submissions from 6 submitters: Uncertain significance (6). Last evaluated 2025-10-01.

Conditions:
Pitt-Hopkins-like syndrome 2 (PTHSL2). Identifiers: Orphanet 221150, Orphanet 600663, MedGen C3280479, MONDO:0013690, OMIM 614325.
NRXN1-related disorder.

Allele frequency attached by ClinVar (database versions not stated): gnomAD exomes below 0.00001; gnomAD 0.00002; TOPMed 0.00002.
gnomAD v4.1: 6 of 1,611,936 alleles (0.00037%); highest among the groups gnomAD compares: Middle Eastern, 0.033%; no homozygotes.

Submissions (6):

Labcorp Genetics (formerly Invitae), Labcorp
Classification: Uncertain significance for Pitt-Hopkins-like syndrome 2. Last evaluated: 2025-10-01. Review status: criteria provided, single submitter. Criteria: Invitae Variant Classification Sherloc (09022015). Collection method: clinical testing. Allele origin: germline.
Comment: This sequence change falls in intron 14 of the NRXN1 gene. It does not directly change the encoded amino acid sequence of the NRXN1 protein. It affects a nucleotide within the consensus splice site. This variant is present in population databases (rs202074070, gnomAD 0.01%). This variant has not been reported in the literature in individuals affected with NRXN1-related conditions. ClinVar contains an entry for this variant (Variation ID: 206243). Variants that disrupt the consensus splice site are a relatively common cause of aberrant splicing (PMID: 17576681, 9536098). Algorithms developed to predict the effect of sequence changes on RNA splicing suggest that this variant is not likely to affect RNA splicing. In summary, the available evidence is currently insufficient to determine the role of this variant in disease. Therefore, it has been classified as a Variant of Uncertain Significance.

PreventionGenetics, part of Exact Sciences
Classification: Uncertain significance for NRXN1-related condition. Last evaluated: 2025-07-07. Review status: criteria provided, single submitter. Criteria: ACMG Guidelines, 2015. Collection method: clinical testing. Allele origin: germline.
Comment: The NRXN1 c.2617+3A>G variant is predicted to interfere with splicing. This variant is predicted to alter splicing based on available splicing prediction programs (SpliceAI, Jaganathan et al. 2019. PubMed ID: 30661751). However, the use of computer prediction programs is not equivalent to functional evidence. To our knowledge, this variant has not been reported in the literature. To our knowledge, this variant has not been reported in the literature. This variant is reported in 0.011% of alleles in individuals of African descent in gnomAD. At this time, the clinical significance of this variant is uncertain due to the absence of conclusive functional and genetic evidence.

CeGaT Center for Human Genetics Tuebingen
Classification: Uncertain significance. Last evaluated: 2022-09-01. Review status: criteria provided, single submitter. Criteria: CeGaT Center For Human Genetics Tuebingen Variant Classification Criteria Version 2. Collection method: clinical testing. Allele origin: germline. Affected: yes. Observed: 1 variant allele.

Athena Diagnostics
Classification: Uncertain significance. Last evaluated: 2016-10-20. Review status: criteria provided, single submitter. Criteria: Athena Diagnostics Criteria. Collection method: clinical testing. Allele origin: germline.

GeneDx
Classification: Uncertain significance. Last evaluated: 2016-08-22. Review status: criteria provided, single submitter. Criteria: GeneDx Variant Classification (06012015). Collection method: clinical testing. Allele origin: germline. Affected: yes.
Comment: The c.2617+3 A>G variant has not been published as a mutation, nor has it been reported as a benign polymorphism to our knowledge. It was not observed in approximately 6,100 individuals of European and African American ancestry in the NHLBI Exome Sequencing Project, indicating it is not a common benign variant in these populations. In silico analysis predicts this variant damages the natural splice donor site in intron 14, which may lead to abnormal gene splicing. However, in the absence of RNA/functional studies, the actual effect of the c.2617+3 A>G sequence change in this individual is unknown. Therefore, based on the currently available information, it is unclear whether this variant is a pathogenic mutation or a rare benign variant.

Eurofins Ntd Llc (ga)
Classification: Uncertain significance. Last evaluated: 2016-01-28. Review status: criteria provided, single submitter. Criteria: EGL Classification Definitions 2015. Collection method: clinical testing. Allele origin: germline. Observed: 1 variant allele, 1 heterozygote.

Literature cited by the submitters: PubMed 17576681 (cited by Labcorp Genetics (formerly Invitae), Labcorp); PubMed 9536098 (cited by Labcorp Genetics (formerly Invitae), Labcorp).